The following is an entry in ClinVar:

NM_006371.5(CRTAP):c.1192G>A (p.Glu398Lys)

Gene: CRTAP (cartilage associated protein; plus strand). Cytogenetic location: 3p22.3.
Variant type: single nucleotide variant.
Coding change: c.1192G>A on transcript NM_006371.5 (MANE Select); coding-DNA position 1192, G replaced by A.
Protein change: p.Glu398Lys; replaces glutamic acid 398 with lysine.
Molecular consequence: missense variant.
Genome position (GRCh38, 1-based): chr3:33,142,434, G>A. VCF-style: chr3-33142434-G-A. GRCh37 (hg19) VCF-style: chr3-33183926-G-A.
Other names: c.1108G>A, p.Glu370Lys (NM_001393363.1); c.1063G>A, p.Glu355Lys (NM_001393364.1); c.1042G>A, p.Glu348Lys (NM_001393365.1); short protein forms E348K, E355K, E370K, E398K.
Identifiers: ClinVar variation 1445357 (VCV001445357.6), dbSNP rs201513139, ClinGen allele CA2300526.

ClinVar aggregate classification (germline): Uncertain significance (1 of 4 stars; one submission).

Conditions:
Osteogenesis imperfecta type 7 (OI7). Also called: OSTEOGENESIS IMPERFECTA, TYPE IIB; OI type 7; OI type VII; Osteogenesis imperfecta type 2B; OI type 2B; Osteogenesis imperfecta, perinatal lethal autosomal recessive. Identifiers: MedGen C1853162, MONDO:0012536, OMIM 610682.

Allele frequency attached by ClinVar (database versions not stated): gnomAD exomes below 0.00001; ExAC 0.00001; gnomAD 0.00001; 1000 Genomes Project 0.00020; 1000 Genomes Project 30x 0.00031.
gnomAD v4.1: 1 of 1,614,152 alleles (0.000062%); highest among the groups gnomAD compares: Admixed American, 0.0017%; no homozygotes.

Submission:

Labcorp Genetics (formerly Invitae), Labcorp
Classification: Uncertain significance for Osteogenesis imperfecta type 7. Last evaluated: 2021-11-23. Review status: criteria provided, single submitter. Criteria: Invitae Variant Classification Sherloc (09022015). Collection method: clinical testing. Allele origin: germline.
Comment: This sequence change replaces glutamic acid, which is acidic and polar, with lysine, which is basic and polar, at codon 398 of the CRTAP protein (p.Glu398Lys). This variant is not present in population databases (gnomAD no frequency). This variant has not been reported in the literature in individuals affected with CRTAP-related conditions. Algorithms developed to predict the effect of missense changes on protein structure and function are either unavailable or do not agree on the potential impact of this missense change (SIFT: "Tolerated"; PolyPhen-2: "Not Available"; Align-GVGD: "Class C0"). In summary, the available evidence is currently insufficient to determine the role of this variant in disease. Therefore, it has been classified as a Variant of Uncertain Significance.